The following is an entry in ClinVar:

NM_004385.5(VCAN):c.8595T>A (p.Phe2865Leu)

Genes: VCAN (versican; plus strand), VCAN-AS1 (VCAN antisense RNA 1; minus strand). Cytogenetic location: 5q14.3.
Variant type: single nucleotide variant.
Coding change: c.8595T>A on transcript NM_004385.5 (MANE Select); coding-DNA position 8595, T replaced by A.
Protein change: p.Phe2865Leu; replaces phenylalanine 2865 with leucine.
Molecular consequence: missense variant. On other transcripts: intron variant (2).
Genome position (GRCh38, 1-based): chr5:83,541,598, T>A. VCF-style: chr5-83541598-T-A. GRCh37 (hg19) VCF-style: chr5-82837417-T-A.
Other names: c.5634T>A, p.Phe1878Leu (NM_001164097.2); c.4004-3939T>A (NM_001164098.2); c.1043-3939T>A (NM_001126336.3); short protein forms F1878L, F2865L.
Identifiers: ClinVar variation 1441503 (VCV001441503.8), dbSNP rs762605857, ClinGen allele CA3333834.

ClinVar aggregate classification (germline): Conflicting classifications of pathogenicity. Review status: criteria provided, conflicting classifications (1 of 4 stars). 2 submissions from 2 submitters: Uncertain significance (1); Likely benign (1). Last evaluated 2023-06-25.

Allele frequency attached by ClinVar (database versions not stated): gnomAD exomes 0.00001 and 0.00002; TOPMed 0.00002; ExAC 0.00003.
gnomAD v4.1: 14 of 1,613,898 alleles (0.00087%); highest among the groups gnomAD compares: South Asian, 0.0066%; no homozygotes.

Submissions (2):

Labcorp Genetics (formerly Invitae), Labcorp
Classification: Uncertain significance. Last evaluated: 2023-06-25. Review status: criteria provided, single submitter. Criteria: Invitae Variant Classification Sherloc (09022015). Collection method: clinical testing. Allele origin: germline.
Comment: This sequence change replaces phenylalanine, which is neutral and non-polar, with leucine, which is neutral and non-polar, at codon 2865 of the VCAN protein (p.Phe2865Leu). This variant is present in population databases (rs762605857, gnomAD 0.02%). This variant has not been reported in the literature in individuals affected with VCAN-related conditions. ClinVar contains an entry for this variant (Variation ID: 1441503). Algorithms developed to predict the effect of missense changes on protein structure and function output the following: SIFT: "Not Available"; PolyPhen-2: "Benign"; Align-GVGD: "Not Available". The leucine amino acid residue is found in multiple mammalian species, which suggests that this missense change does not adversely affect protein function. In summary, the available evidence is currently insufficient to determine the role of this variant in disease. Therefore, it has been classified as a Variant of Uncertain Significance.

Blueprint Genetics
Classification: Likely benign. Last evaluated: 2023-03-27. Review status: criteria provided, single submitter. Criteria: ACMG Guidelines, 2015. Collection method: clinical testing. Allele origin: germline.